The following is an entry in ClinVar:

NM_052867.4(NALCN):c.3604A>C (p.Lys1202Gln)

Gene: NALCN (sodium leak channel, non-selective; minus strand). Cytogenetic location: 13q32.3.
Variant type: single nucleotide variant.
Coding change: c.3604A>C on transcript NM_052867.4 (MANE Select); coding-DNA position 3604, A replaced by C.
Protein change: p.Lys1202Gln; replaces lysine 1202 with glutamine.
Molecular consequence: missense variant.
Genome position (GRCh38, 1-based): chr13:101,083,178, T>G on the plus strand (A>C on the coding strand, the complement: NALCN is on the minus strand). VCF-style: chr13-101083178-T-G. GRCh37 (hg19) VCF-style: chr13-101735529-T-G.
Other names: c.3691A>C, p.Lys1231Gln (NM_001350748.2); c.3604A>C, p.Lys1202Gln (NM_001350749.2); c.3517A>C, p.Lys1173Gln (NM_001350750.2, NM_001350751.2); short protein forms K1173Q, K1202Q, K1231Q.
Identifiers: ClinVar variation 2663960 (VCV002663960.3), dbSNP rs2501991596, ClinGen allele CA388651567.

ClinVar aggregate classification (germline): Uncertain significance. Review status: criteria provided, multiple submitters, no conflicts (2 of 4 stars). 2 submissions from 2 submitters: Uncertain significance (2). Last evaluated 2024-04-09.

Conditions:
Congenital contractures of the limbs and face, hypotonia, and developmental delay (CLIFAHDD). Identifiers: Orphanet 562528, MedGen C4225398, MONDO:0014556, OMIM 616266.

Submissions (2):

Labcorp Genetics (formerly Invitae), Labcorp
Classification: Uncertain significance. Last evaluated: 2024-04-09. Review status: criteria provided, single submitter. Criteria: Invitae Variant Classification Sherloc (09022015). Collection method: clinical testing. Allele origin: germline.
Comment: This sequence change replaces lysine, which is basic and polar, with glutamine, which is neutral and polar, at codon 1202 of the NALCN protein (p.Lys1202Gln). This variant is not present in population databases (gnomAD no frequency). This variant has not been reported in the literature in individuals affected with NALCN-related conditions. ClinVar contains an entry for this variant (Variation ID: 2663960). Advanced modeling of protein sequence and biophysical properties (such as structural, functional, and spatial information, amino acid conservation, physicochemical variation, residue mobility, and thermodynamic stability) performed at Invitae indicates that this missense variant is not expected to disrupt NALCN protein function with a negative predictive value of 80%. In summary, the available evidence is currently insufficient to determine the role of this variant in disease. Therefore, it has been classified as a Variant of Uncertain Significance.

Neuberg Centre For Genomic Medicine, NCGM
Classification: Uncertain significance for Congenital contractures of the limbs and face, hypotonia, and developmental delay. Review status: criteria provided, single submitter. Criteria: ACMG Guidelines, 2015. Collection method: clinical testing. Allele origin: germline. Inheritance: Autosomal dominant inheritance. Affected: yes.